The following is an entry in ClinVar:

ClinVar aggregate classification (germline): Likely pathogenic (1 of 4 stars; one submission).

Conditions:
Hereditary cancer-predisposing syndrome. Also called: Neoplastic Syndromes, Hereditary; Tumor predisposition; Hereditary Cancer Syndrome; Hereditary neoplastic syndrome. Identifiers: Orphanet 140162, MedGen C0027672, MeSH D009386, MONDO:0015356.

Submission:

Ambry Genetics
Classification: Likely pathogenic for Hereditary cancer-predisposing syndrome. Last evaluated: 2021-11-05. Review status: criteria provided, single submitter. Criteria: Ambry Variant Classification Scheme 2023. Collection method: clinical testing. Allele origin: germline.
Comment: The c.8633-27_8633-9del19 intronic variant, located in intron 19 of the BRCA2 gene, results from a deletion of 19 nucleotides within intron 19 of the BRCA2 gene. These nucleotide positions are not well conserved in available vertebrate species. In silico splice site analysis predicts that this alteration may weaken the native splice acceptor site. RNA studies have demonstrated that this alteration results in abnormal splicing in the set of samples tested (Ambry internal data). Based on the majority of available evidence to date, this variant is likely to be pathogenic.

NM_000059.4(BRCA2):c.8633-27_8633-9del

Gene: BRCA2 (BRCA2 DNA repair associated; plus strand). Cytogenetic location: 13q13.1.
Variant type: Deletion.
Coding change: c.8633-27_8633-9del on transcript NM_000059.4 (MANE Select); 27 bases into the intron before coding-DNA position 8633 through 9 bases into the intron before coding-DNA position 8633, 19 bases deleted (GAATTAATAATCCTTTTGT).
Molecular consequence: intron variant.
Genome position (GRCh38, 1-based): chr13:32,376,643-32,376,661, GAATTAATAATCCTTTTGT deleted; deleting any 19 consecutive bases within chr13:32,376,641-32,376,661 gives the same sequence; the c. name uses the placement nearest the transcript's 3' end. VCF-style (leftmost placement, unchanged base first): chr13-32376640-AGTGAATTAATAATCCTTTT-A. GRCh37 (hg19) VCF-style: chr13-32950777-AGTGAATTAATAATCCTTTT-A.
Identifiers: ClinVar variation 1764111 (VCV001764111.2), dbSNP rs2548553100, ClinGen allele CA2580087415.